The following is an entry in ClinVar:

NM_020778.5(ALPK3):c.4939A>T (p.Arg1647Trp)

Gene: ALPK3 (alpha kinase 3; plus strand). Cytogenetic location: 15q25.3.
Variant type: single nucleotide variant.
Coding change: c.4939A>T on transcript NM_020778.5 (MANE Select); coding-DNA position 4939, A replaced by T.
Protein change: p.Arg1647Trp; replaces arginine 1647 with tryptophan.
Molecular consequence: missense variant.
Genome position (GRCh38, 1-based): chr15:84,868,277, A>T. VCF-style: chr15-84868277-A-T. GRCh37 (hg19) VCF-style: chr15-85411508-A-T.
Other names: p.Arg1849Trp; short protein forms R1849W, R1647W.
Identifiers: ClinVar variation 422575 (VCV000422575.42), dbSNP rs115364627, ClinGen allele CA7710120.

ClinVar aggregate classification (germline): Conflicting classifications of pathogenicity. Review status: criteria provided, conflicting classifications (1 of 4 stars). 10 submissions from 10 submitters: Uncertain significance (9); Likely benign (1). Last evaluated 2026-09-21.

Conditions:
ALPK3-related disorder. Also called: ALPK3-related condition.
Cardiomyopathy, familial hypertrophic 27. Identifiers: MedGen C4748014, MONDO:0054838, OMIM 618052.
Cardiovascular phenotype. Identifiers: MedGen CN230736.

Allele frequency attached by ClinVar (database versions not stated): 1000 Genomes Project 30x 0.00016; 1000 Genomes Project 0.00020; gnomAD 0.00034; TOPMed 0.00039; ESP Exome Variant Server 0.00046; gnomAD exomes 0.00046 and 0.00069; ExAC 0.00052.
gnomAD v4.1: 1,054 of 1,614,142 alleles (0.065%); highest among the groups gnomAD compares: Non-Finnish European, 0.085%; 2 homozygotes.

Submissions (10):

Molecular Diagnostic Laboratory for Inherited Cardiovascular Disease, Montreal Heart Institute
Classification: Likely benign. Last evaluated: 2026-09-21. Review status: criteria provided, single submitter. Criteria: ACMG Guidelines, 2015. Collection method: clinical testing. Allele origin: germline. Affected: no.
Comment: BS1;BP1

PreventionGenetics, part of Exact Sciences
Classification: Uncertain significance for ALPK3-related condition. Last evaluated: 2026-04-15. Review status: criteria provided, single submitter. Criteria: ACMG Guidelines, 2015. Collection method: clinical testing. Allele origin: germline.
Comment: The ALPK3 c.5545A>T variant is predicted to result in the amino acid substitution p.Arg1849Trp. To our knowledge, this variant has not been reported in the literature. This variant is reported in 0.093% of alleles in individuals of European (Non-Finnish) descent in gnomAD, which may be too frequent for an unreported disease-causing variant. Although we suspect that this variant may be benign, at this time, the clinical significance of this variant is uncertain due to the absence of conclusive functional and genetic evidence.

Labcorp Genetics (formerly Invitae), Labcorp
Classification: Uncertain significance. Last evaluated: 2026-02-03. Review status: criteria provided, single submitter. Criteria: Invitae Variant Classification Sherloc (09022015). Collection method: clinical testing. Allele origin: germline.
Comment: This sequence change replaces arginine, which is basic and polar, with tryptophan, which is neutral and slightly polar, at codon 1849 of the ALPK3 protein (p.Arg1849Trp). This variant is present in population databases (rs115364627, gnomAD 0.09%), and has an allele count higher than expected for a pathogenic variant. This variant has not been reported in the literature in individuals affected with ALPK3-related conditions. ClinVar contains an entry for this variant (Variation ID: 422575). Invitae Evidence Modeling of protein sequence and biophysical properties (such as structural, functional, and spatial information, amino acid conservation, physicochemical variation, residue mobility, and thermodynamic stability) indicates that this missense variant is expected to disrupt ALPK3 protein function with a positive predictive value of 80%. In summary, the available evidence is currently insufficient to determine the role of this variant in disease. Therefore, it has been classified as a Variant of Uncertain Significance.

Women's Health and Genetics/Laboratory Corporation of America, LabCorp
Classification: Uncertain significance. Last evaluated: 2025-09-30. Review status: criteria provided, single submitter. Criteria: LabCorp Variant Classification Summary - May 2015. Collection method: clinical testing. Allele origin: germline.
Comment: Variant summary: ALPK3 c.4939A>T (p.Arg1647Trp) results in a non-conservative amino acid change in the encoded protein sequence. Algorithms developed to predict the effect of missense changes on protein structure and function are either unavailable or do not agree on the potential impact of this missense change. The variant allele was found at a frequency of 0.00046 in 251182 control chromosomes. This frequency is not significantly higher than estimated for disease-causing variants in ALPK3, allowing no conclusion about variant significance. To our knowledge, no occurrence of c.4939A>T in individuals affected with ALPK3-related conditions and no experimental evidence demonstrating its impact on protein function have been reported. ClinVar contains an entry for this variant (Variation ID: 422575). Based on the evidence outlined above, the variant was classified as uncertain significance.

Ambry Genetics
Classification: Uncertain significance for Cardiovascular phenotype. Last evaluated: 2025-08-12. Review status: criteria provided, single submitter. Criteria: Ambry Variant Classification Scheme 2023. Collection method: clinical testing. Allele origin: germline.
Comment: The p.R1849W variant (also known as c.5545A>T), located in coding exon 14 of the ALPK3 gene, results from an A to T substitution at nucleotide position 5545. The arginine at codon 1849 is replaced by tryptophan, an amino acid with dissimilar properties. This amino acid position is highly conserved in available vertebrate species. In addition, the in silico prediction for this alteration is inconclusive. Since supporting evidence is limited at this time, the clinical significance of this alteration remains unclear.

GeneDx
Classification: Uncertain significance. Last evaluated: 2025-02-26. Review status: criteria provided, single submitter. Criteria: GeneDx Variant Classification Process June 2021. Collection method: clinical testing. Allele origin: germline. Affected: yes.
Comment: Has not been previously published as pathogenic or benign to our knowledge; In silico analysis supports that this missense variant has a deleterious effect on protein structure/function

ARUP Laboratories, Molecular Genetics and Genomics, ARUP Laboratories
Classification: Uncertain significance for Cardiomyopathy, familial hypertrophic 27. Last evaluated: 2024-09-16. Review status: criteria provided, single submitter. Criteria: ARUP Molecular Germline Variant Investigation Process 2024. Collection method: clinical testing. Allele origin: germline.
Comment: The ALPK3 c.4939A>T; p.Arg1647Trp variant (rs115364627), to our knowledge, is not reported in the medical literature but is reported in ClinVar (Variation ID: 422575). This variant is found in the non-Finnish European population with an overall allele frequency of 0.0931% (120/128930 alleles) in the Genome Aggregation Database. Computational analyses are uncertain whether this variant is neutral or deleterious (REVEL: 0.332). Given the lack of clinical and functional data, the significance of the p.Arg1647Trp variant is uncertain at this time.

CeGaT Center for Human Genetics Tuebingen
Classification: Uncertain significance. Last evaluated: 2024-07-01. Review status: criteria provided, single submitter. Criteria: CeGaT Center For Human Genetics Tuebingen Variant Classification Criteria Version 2. Collection method: clinical testing. Allele origin: germline. Affected: yes. Observed: 1 variant allele.

Mayo Clinic Laboratories, Mayo Clinic
Classification: Uncertain significance. Last evaluated: 2024-01-24. Review status: criteria provided, single submitter. Criteria: ACMG Guidelines, 2015. Collection method: clinical testing. Allele origin: germline. Observed: 1 variant allele.
Comment: BS1

Clinical Genomics Laboratory, Stanford Medicine
Classification: Uncertain significance for Cardiomyopathy, familial hypertrophic 27. Last evaluated: 2021-07-28. Review status: criteria provided, single submitter. Criteria: ACMG Guidelines, 2015. Collection method: clinical testing. Allele origin: germline. Affected: yes. Observed: 1 heterozygote.
Comment: The p.Arg1849Trp variant in the ALPK3gene has notbeen previously reported in association with disease. This variant has been identified in 120/128,930 European non-Finnish chromosomes (130/282,570chromosomes overall)by the Genome Aggregation Database. Although this variant has been seen in the general population, ithas not been observed at a frequency high enough to rule out pathogenicity. Computational tools do not predict that the p.Arg1849Trp variant impacts protein function; however, the accuracy of in silicoalgorithms is limited. These data were assessed using the ACMG/AMP variant interpretation guidelines. In summary, the significance of the p.Arg1849Trpvariant is uncertain; however, population frequency data suggests that this variant is more likely to be benign than pathogenic.Additional information is needed to resolve the significance of this variant. [ACMG evidence codes used: BS1_Supporting]